The following is an entry in ClinVar:

ClinVar aggregate classification (germline): Uncertain significance. Review status: criteria provided, multiple submitters, no conflicts (2 of 4 stars). 4 submissions from 4 submitters: Uncertain significance (4). Last evaluated 2026-06-01.

Conditions:
Congenital brain dysgenesis due to glutamine synthetase deficiency (GLND). Also called: GLUTAMINE SYNTHASE DEFICIENCY, CONGENITAL SYSTEMIC. Identifiers: Orphanet 71278, MedGen C1864910, MONDO:0012393, OMIM 610015.

Allele frequency attached by ClinVar (database versions not stated): TOPMed below 0.00001; gnomAD 0.00001; gnomAD exomes 0.00001 and 0.00003; ExAC 0.00003; ESP Exome Variant Server 0.00008; 1000 Genomes Project 30x 0.00016; 1000 Genomes Project 0.00020.

Submissions (4):

CeGaT Center for Human Genetics Tuebingen
Classification: Uncertain significance. Last evaluated: 2026-06-01. Review status: criteria provided, single submitter. Criteria: CeGaT Center For Human Genetics Tuebingen Variant Classification Criteria Version 2. Collection method: clinical testing. Allele origin: germline. Affected: yes. Observed: 1 variant allele.
Comment: GLUL: PM2, PP2, BP4

Labcorp Genetics (formerly Invitae), Labcorp
Classification: Uncertain significance for Congenital brain dysgenesis due to glutamine synthetase deficiency. Last evaluated: 2026-01-12. Review status: criteria provided, single submitter. Criteria: Invitae Variant Classification Sherloc (09022015). Collection method: clinical testing. Allele origin: germline.
Comment: This sequence change replaces valine, which is neutral and non-polar, with methionine, which is neutral and non-polar, at codon 80 of the GLUL protein (p.Val80Met). This variant is present in population databases (rs151138433, gnomAD 0.01%). This variant has not been reported in the literature in individuals affected with GLUL-related conditions. ClinVar contains an entry for this variant (Variation ID: 293948). Invitae Evidence Modeling of protein sequence and biophysical properties (such as structural, functional, and spatial information, amino acid conservation, physicochemical variation, residue mobility, and thermodynamic stability) indicates that this missense variant is not expected to disrupt GLUL protein function with a negative predictive value of 80%. In summary, the available evidence is currently insufficient to determine the role of this variant in disease. Therefore, it has been classified as a Variant of Uncertain Significance.

Mayo Clinic Laboratories, Mayo Clinic
Classification: Uncertain significance. Last evaluated: 2025-03-10. Review status: criteria provided, single submitter. Criteria: ACMG Guidelines, 2015. Collection method: clinical testing. Allele origin: germline. Observed: 1 variant allele.
Comment: BP4_moderate, PM2_supporting

Illumina Laboratory Services, Illumina
Classification: Uncertain significance for Congenital brain dysgenesis due to glutamine synthetase deficiency. Last evaluated: 2018-01-13. Review status: criteria provided, single submitter. Criteria: ICSL Variant Classification Criteria 13 December 2019. Collection method: clinical testing. Allele origin: germline.

NM_001033044.4(GLUL):c.238G>A (p.Val80Met)

Gene: GLUL (glutamate-ammonia ligase; minus strand). Cytogenetic location: 1q25.3.
Variant type: single nucleotide variant.
Coding change: c.238G>A on transcript NM_001033044.4 (MANE Select); coding-DNA position 238, G replaced by A.
Protein change: p.Val80Met; replaces valine 80 with methionine.
Molecular consequence: missense variant.
Genome position (GRCh38, 1-based): chr1:182,387,221, C>T on the plus strand (G>A on the coding strand, the complement: GLUL is on the minus strand). VCF-style: chr1-182387221-C-T. GRCh37 (hg19) VCF-style: chr1-182356356-C-T.
Other names: p.Val80Met; c.238G>A, p.Val80Met (NM_001033056.4, NM_002065.7); c.238G>A (NM_002065.6); short protein forms V80M.
Identifiers: ClinVar variation 293948 (VCV000293948.9), dbSNP rs151138433, ClinGen allele CA1277216.